The following is an entry in ClinVar:

NM_002834.5(PTPN11):c.1742A>C (p.Glu581Ala)

Gene: PTPN11 (protein tyrosine phosphatase non-receptor type 11; plus strand). Cytogenetic location: 12q24.13.
Variant type: single nucleotide variant.
Coding change: c.1742A>C on transcript NM_002834.5 (MANE Select); coding-DNA position 1742, A replaced by C.
Protein change: p.Glu581Ala; replaces glutamic acid 581 with alanine.
Molecular consequence: missense variant.
Genome position (GRCh38, 1-based): chr12:112,504,724, A>C. VCF-style: chr12-112504724-A-C. GRCh37 (hg19) VCF-style: chr12-112942528-A-C.
Other names: c.1742A>C (NM_002834.3); c.1754A>C, p.Glu585Ala (NM_001330437.2); c.1739A>C, p.Glu580Ala (NM_001374625.1); short protein forms E580A, E581A, E585A.
Identifiers: ClinVar variation 1690518 (VCV001690518.9), dbSNP rs2135930864, ClinGen allele CA386784470.
Genomic context (GRCh38, chr12:112,504,724, plus strand): 5'-GTAAATGTCTTTCTTTTTCTTTTCTCTCCAGAATGAGAGAAGACAGTGCTAGAGTCTATG[A>C]AAACGTGGGCCTGATGCAACAGCAGAAAAGTTTCAGATGAGAAAACCTGCCAAAACTTCA-3'
Protein context (NP_002825.3, residues 571-591): EMREDSARVY[Glu581Ala]NVGLMQQQKS

ClinVar aggregate classification (germline): Uncertain significance. Review status: criteria provided, multiple submitters, no conflicts (2 of 4 stars). 5 submissions from 5 submitters: Uncertain significance (5). Last evaluated 2026-04-05.

Conditions:
LEOPARD syndrome 1 (LPRD1). Also called: LENTIGINOSIS, CARDIOMYOPATHIC; MULTIPLE LENTIGINES SYNDROME; PTPN11-Related LEOPARD Syndrome. Identifiers: Orphanet 500, MedGen C4551484, MONDO:0100082, OMIM 151100.
Noonan syndrome 1 (NS1). Also called: FEMALE PSEUDO-TURNER SYNDROME; PTPN11-Related Noonan Syndrome; TURNER PHENOTYPE WITH NORMAL KARYOTYPE. Identifiers: Orphanet 648, MedGen C4551602, MONDO:0008104, OMIM 163950. Disease mechanism: gain of function.
Juvenile myelomonocytic leukemia (JMML). Also called: LEUKEMIA, JUVENILE MYELOMONOCYTIC, SOMATIC. Identifiers: Orphanet 86834, MedGen C0349639, MONDO:0011908, OMIM 607785, HP:0012209.
Metachondromatosis (METCDS). Identifiers: Orphanet 2499, MedGen C0410530, MONDO:0007979, OMIM 156250.
Cardiovascular phenotype. Identifiers: MedGen CN230736.
RASopathy. Also called: rasopathies; Noonan spectrum disorder. Identifiers: Orphanet 536391, MedGen C5555857, MONDO:0021060.

Submissions (5):

Ambry Genetics
Classification: Uncertain significance for Cardiovascular phenotype. Last evaluated: 2026-04-05. Review status: criteria provided, single submitter. Criteria: Ambry Variant Classification Scheme 2023. Collection method: clinical testing. Allele origin: germline.
Comment: The p.E581A variant (also known as c.1742A>C), located in coding exon 15 of the PTPN11 gene, results from an A to C substitution at nucleotide position 1742. The glutamic acid at codon 581 is replaced by alanine, an amino acid with dissimilar properties. This amino acid position is conserved. In addition, the in silico prediction for this alteration is inconclusive. Based on the available evidence, the clinical significance of this variant remains unclear.

Dasa
Classification: Uncertain significance. Last evaluated: 2025-09-12. Review status: criteria provided, single submitter. Criteria: DASA Assertion Criteria. Collection method: clinical testing. Allele origin: germline.
Comment: NM_002834.5(PTPN11):c.1742A>C (p.Glu581Ala) is a missense variant that results in the substitution of glutamic acid with alanine. This variant is absent from population databases. The currently available literature and clinical evidence are not sufficient to establish a definitive association between this variant and the reported condition. Therefore, this variant is classified as a variant of uncertain significance.

Fulgent Genetics
Classification: Uncertain significance for LEOPARD syndrome 1; Metachondromatosis; Noonan syndrome 1; Juvenile myelomonocytic leukemia. Last evaluated: 2024-05-21. Review status: criteria provided, single submitter. Criteria: ACMG Guidelines, 2015. Collection method: clinical testing. Allele origin: germline.

Labcorp Genetics (formerly Invitae), Labcorp
Classification: Uncertain significance for RASopathy. Last evaluated: 2023-12-10. Review status: criteria provided, single submitter. Criteria: Invitae Variant Classification Sherloc (09022015). Collection method: clinical testing. Allele origin: germline.
Comment: This sequence change replaces glutamic acid, which is acidic and polar, with alanine, which is neutral and non-polar, at codon 581 of the PTPN11 protein (p.Glu581Ala). This variant is not present in population databases (gnomAD no frequency). This variant has not been reported in the literature in individuals affected with PTPN11-related conditions. ClinVar contains an entry for this variant (Variation ID: 1690518). Advanced modeling of protein sequence and biophysical properties (such as structural, functional, and spatial information, amino acid conservation, physicochemical variation, residue mobility, and thermodynamic stability) has been performed at Invitae for this missense variant, however the output from this modeling did not meet the statistical confidence thresholds required to predict the impact of this variant on PTPN11 protein function. In summary, the available evidence is currently insufficient to determine the role of this variant in disease. Therefore, it has been classified as a Variant of Uncertain Significance.

Laboratorio de Genetica e Diagnostico Molecular, Hospital Israelita Albert Einstein
Classification: Uncertain significance. Last evaluated: 2021-12-03. Review status: criteria provided, single submitter. Criteria: ACMG Guidelines, 2015. Collection method: clinical testing. Allele origin: germline. Affected: yes.
Comment: ACMG classification criteria: PM2, PP2, BP4